The following is an entry in ClinVar:

NM_017775.4(TTC19):c.1004C>T (p.Thr335Ile)

Gene: TTC19 (tetratricopeptide repeat domain 19; plus strand). Cytogenetic location: 17p12.
Variant type: single nucleotide variant.
Coding change: c.1004C>T on transcript NM_017775.4 (MANE Select); coding-DNA position 1004, C replaced by T.
Protein change: p.Thr335Ile; replaces threonine 335 with isoleucine.
Molecular consequence: missense variant.
Genome position (GRCh38, 1-based): chr17:16,027,383, C>T. VCF-style: chr17-16027383-C-T. GRCh37 (hg19) VCF-style: chr17-15930697-C-T.
Other names: p.T355I:ACA>ATA; c.683C>T, p.Thr228Ile (NM_001271420.2); short protein forms T335I, T228I.
Identifiers: ClinVar variation 215297 (VCV000215297.31), dbSNP rs78193493, ClinGen allele CA322567.
Genomic context (GRCh38, chr17:16,027,383, plus strand): 5'-TTGAAAACATACACTTTCTTCTTACTGTCCCTTCTCTCTGGGTTATTTTAGAACGATATA[C>T]ACAAGCAAAAGAGATCTACCAGGAAGCACTGAAGCAAGCAAAGCTGAAAAAAGATGAAAT-3'
Protein context (NP_060245.3, residues 325-345): AAVLMHRERY[Thr335Ile]QAKEIYQEAL

ClinVar aggregate classification (germline): Conflicting classifications of pathogenicity. Review status: criteria provided, conflicting classifications (1 of 4 stars). 6 submissions from 6 submitters: Uncertain significance (1); Benign (2); Likely benign (2). 1 of the submissions does not count toward it. Last evaluated 2026-01-28.

Conditions:
TTC19-related disorder. Also called: TTC19-related condition.
Mitochondrial complex III deficiency nuclear type 2. Identifiers: MedGen C3554605, MONDO:0014063, OMIM 615157.

Allele frequency attached by ClinVar (database versions not stated): gnomAD exomes 0.00041 and 0.00102; ExAC 0.00125; gnomAD 0.00391 and 0.00419; TOPMed 0.00436; 1000 Genomes Project 0.00479; 1000 Genomes Project 30x 0.00531; ESP Exome Variant Server 0.00531.
gnomAD v4.1: 1,242 of 1,613,994 alleles (0.077%); highest among the groups gnomAD compares: African/African-American, 1.4%; 10 homozygotes.

Submissions (6):

Labcorp Genetics (formerly Invitae), Labcorp
Classification: Benign. Last evaluated: 2026-01-28. Review status: criteria provided, single submitter. Criteria: Invitae Variant Classification Sherloc (09022015). Collection method: clinical testing. Allele origin: germline.

CeGaT Center for Human Genetics Tuebingen
Classification: Likely benign. Last evaluated: 2025-08-01. Review status: criteria provided, single submitter. Criteria: CeGaT Center For Human Genetics Tuebingen Variant Classification Criteria Version 2. Collection method: clinical testing. Allele origin: germline. Affected: yes. Observed: 2 variant alleles.
Comment: TTC19: BP4, BS1

Blueprint Genetics
Classification: Likely benign. Last evaluated: 2024-09-18. Review status: criteria provided, single submitter. Criteria: ACMG Guidelines, 2015. Collection method: clinical testing. Allele origin: germline.

Illumina Laboratory Services, Illumina
Classification: Uncertain significance for Mitochondrial complex III deficiency nuclear type 2. Last evaluated: 2018-01-12. Review status: criteria provided, single submitter. Criteria: ICSL Variant Classification Criteria 13 December 2019. Collection method: clinical testing. Allele origin: germline.

GeneDx
Classification: Benign. Last evaluated: 2014-09-16. Review status: criteria provided, single submitter. Criteria: GeneDx Variant Classification (06012015). Collection method: clinical testing. Allele origin: germline. Affected: yes.
Comment: This variant is considered likely benign or benign based on one or more of the following criteria: it is a conservative change, it occurs at a poorly conserved position in the protein, it is predicted to be benign by multiple in silico algorithms, and/or has population frequency not consistent with disease.

PreventionGenetics, part of Exact Sciences
Classification: Benign for TTC19-related condition. Last evaluated: 2019-07-12. Review status: no assertion criteria provided. Collection method: clinical testing. Allele origin: germline. Not counted in ClinVar's aggregate classification.
Comment: This variant is classified as benign based on ACMG/AMP sequence variant interpretation guidelines (Richards et al. 2015 PMID: 25741868, with internal and published modifications).